The following is an entry in ClinVar:

ClinVar aggregate classification (germline): Conflicting classifications of pathogenicity. Review status: criteria provided, conflicting classifications (1 of 4 stars). 19 submissions from 18 submitters: Uncertain significance (9); Benign (1); Likely benign (6). 3 of the submissions do not count toward it. Last evaluated 2026-05-01.

Conditions:
Aganglionic megacolon (HSCR). Also called: Hirschsprung's disease; Hirschsprung disease. Identifiers: Orphanet 388, MedGen C0019569, MeSH D006627, MONDO:0018309, HP:0002251.
Multiple endocrine neoplasia, type 2 (MEN2). Identifiers: Orphanet 653, MedGen C4048306, MONDO:0019003. Disease mechanism: gain of function.
RET-related disorder. Also called: RET-related disorders; RET-related condition; RET-related disease.
Medullary thyroid carcinoma (MTC). Also called: Medullary thyroid gland carcinoma. Identifiers: Orphanet 1332, MedGen C0238462, MeSH C536914, MONDO:0015277, HP:0002865.
Hereditary cancer-predisposing syndrome. Also called: Neoplastic Syndromes, Hereditary; Tumor predisposition; Hereditary Cancer Syndrome; Hereditary neoplastic syndrome. Identifiers: Orphanet 140162, MedGen C0027672, MeSH D009386, MONDO:0015356.
Multiple endocrine neoplasia type 2A. Also called: MULTIPLE ENDOCRINE NEOPLASIA, TYPE IIA; PTC SYNDROME; SIPPLE SYNDROME; MEN 2A; MEN-2A syndrome; Pheochromocytoma and amyloid producing medullary thyroid carcinoma. Identifiers: Orphanet 247698, Orphanet 653, MedGen C0025268, MeSH D018813, MONDO:0008234, OMIM 171400.
Multiple endocrine neoplasia type 2B. Also called: MULTIPLE ENDOCRINE NEOPLASIA, TYPE III; MULTIPLE ENDOCRINE NEOPLASIA, TYPE IIB; MEN IIB; NEUROMATA, MUCOSAL, WITH ENDOCRINE TUMORS; MEN 2B; MUCOSAL NEUROMA SYNDROME. Identifiers: Orphanet 247709, Orphanet 653, MedGen C0025269, MeSH D018814, MONDO:0008082, OMIM 162300.

Allele frequency attached by ClinVar (database versions not stated): gnomAD 0.00018; gnomAD exomes 0.00018; 1000 Genomes Project 0.00020; 1000 Genomes Project 30x 0.00016; ExAC 0.00022; TOPMed 0.00022; ESP Exome Variant Server 0.00023.
gnomAD v4.1: 437 of 1,601,702 alleles (0.027%); highest among the groups gnomAD compares: Non-Finnish European, 0.033%; no homozygotes.

Submissions 1 to 11 of 19:

PreventionGenetics, part of Exact Sciences
Classification: Likely benign for RET-related condition. Last evaluated: 2026-05-01. Review status: criteria provided, single submitter. Criteria: ACMG Guidelines, 2015. Collection method: clinical testing. Allele origin: germline.
Comment: This variant is classified as likely benign based on ACMG/AMP sequence variant interpretation guidelines (Richards et al. 2015 PMID: 25741868, with internal and published modifications).

Labcorp Genetics (formerly Invitae), Labcorp
Classification: Likely benign for Multiple endocrine neoplasia, type 2. Last evaluated: 2026-01-31. Review status: criteria provided, single submitter. Criteria: Invitae Variant Classification Sherloc (09022015). Collection method: clinical testing. Allele origin: germline.

Quest Diagnostics Nichols Institute San Juan Capistrano
Classification: Uncertain significance. Last evaluated: 2025-11-04. Review status: criteria provided, single submitter. Criteria: Quest Diagnostics criteria. Collection method: clinical testing. Allele origin: unknown.

Mendelics
Classification: Likely benign for Multiple endocrine neoplasia type 2A. Last evaluated: 2025-06-23. Review status: criteria provided, single submitter. Criteria: ACMG Guidelines, 2015. Collection method: clinical testing. Allele origin: unknown.
Comment: This variant is considered likely benign or benign based on one or more of the following: it is predicted to be benign by multiple in silico algorithms, and/or has population frequency not consistent with disease, and/or has normal protein function, and/or has lack of segregation with disease, and/or has been detected in co-occurrence with known pathogenic variant, and/or has lack of disease association in case-control studies, and/or is located in a region inconsistent with a known cause of pathogenicity.

CeGaT Center for Human Genetics Tuebingen
Classification: Uncertain significance. Last evaluated: 2025-01-01. Review status: criteria provided, single submitter. Criteria: CeGaT Center For Human Genetics Tuebingen Variant Classification Criteria Version 2. Collection method: clinical testing. Allele origin: germline. Affected: yes. Observed: 2 variant alleles.

Color Diagnostics, LLC DBA Color Health
Classification: Benign for Multiple endocrine neoplasia, type 2. Last evaluated: 2024-12-16. Review status: criteria provided, single submitter. Criteria: ACMG Guidelines, 2015. Collection method: clinical testing. Allele origin: germline.

Genetic Services Laboratory, University of Chicago
Classification: Uncertain significance. Last evaluated: 2024-08-16. Review status: criteria provided, single submitter. Criteria: ACMG Guidelines, 2015. Collection method: clinical testing. Allele origin: germline. Affected: no.
Comment: DNA sequence analysis of the RET gene demonstrated a sequence change, c.1531G>A, in exon 8 that results in an amino acid change, p.Glu511Lys. This sequence change has been previously identified in individuals with medullary thyroid cancer, but was also found to be carried by three unaffected siblings of one of these individuals (PMID: 20103606, 21551259). Functional assays showed RET and ERK phosphorylation levels and transforming activity at intermediate levels between wild-type and a well-established pathogenic variant (PMID: 20103606, 21551259). This sequence change has been described in the gnomAD database with a frequency of 0.016% in the overall population (dbSNP rs201553718). The p.Glu511Lys change affects a moderately conserved amino acid residue located in a domain of the RET protein that is known to be functional. The p.Glu511Lys substitution appears to be benign using several in-silico pathogenicity prediction tools (SIFT, PolyPhen2, Align GVGD, REVEL). Due to insufficient evidences, the clinical significance of the p.Glu511Lys change remains unknown at this time.

St. Jude Molecular Pathology, St. Jude Children's Research Hospital
Classification: Uncertain significance for Multiple endocrine neoplasia type 2A. Last evaluated: 2024-08-03. Review status: criteria provided, single submitter. Criteria: St. Jude Assertion Criteria 2020. Collection method: clinical testing. Allele origin: germline.
Comment: The RET c.1531G>A (p.Glu511Lys) missense change has a maximum subpopulation frequency of 0.031% in gnomAD v2.1.1. The in silico tool REVEL is inconclusive about a pathogenic or benign effect of this variant on protein function. Functional assays have shown increased RET and ERK phosphorylation levels and transforming activity at intermediate levels between those of wild-type and a well-established pathogenic variant (PMID: 20103606, 21551259). This variant has been reported in two individuals with medullary thyroid cancer (MTC) with no known family history of MTC or thyroid tumors (PMID: 20103606, 21551259). it was also found in three first-degree relatives of one of the affected individuals, and all three individuals displayed normal biochemical parameters (PMID: 21551259). In summary, the evidence currently available is insufficient to determine the clinical significance of this variant. It has therefore been classified as of uncertain significance.

Myriad Genetics, Inc.
Classification: Likely benign for Multiple endocrine neoplasia type 2A. Last evaluated: 2024-05-16. Review status: criteria provided, single submitter. Criteria: Myriad Autosomal Dominant, Autosomal Recessive and X-Linked Classification Criteria (2023). Collection method: clinical testing. Allele origin: unknown.
Comment: This variant is considered likely benign. This variant has been observed at a population frequency that is significantly greater than expected given the associated disease prevalence and penetrance.

GeneDx
Classification: Uncertain significance. Last evaluated: 2023-07-28. Review status: criteria provided, single submitter. Criteria: GeneDx Variant Classification Process June 2021. Collection method: clinical testing. Allele origin: germline. Affected: yes.
Comment: Published functional studies demonstrate moderate increases in phosphorylation and transforming activity (Muzza et al., 2010; Prazeres et al., 2011); In silico analysis supports that this missense variant does not alter protein structure/function; Observed in individuals with medullary thyroid cancer as well as other cancer types (Prazeres et al., 2011; Muzza et al., 2010; Lebeault et al., 2017; Yehia et al., 2018; Guindalini et al., 2022); This variant is associated with the following publications: (PMID: 24055113, 21834681, 24336963, 20103606, 21551259, 25637381, 21479187, 26332594, 17316110, 27807062, 28946813, 30758123, 34426522, 14633923, 30446652, 16712668, 29684080, 35264596)

Mayo Clinic Laboratories, Mayo Clinic
Classification: Uncertain significance. Last evaluated: 2022-08-03. Review status: criteria provided, single submitter. Criteria: ACMG Guidelines, 2015. Collection method: clinical testing. Allele origin: germline. Observed: 2 variant alleles.
Comment: BS1

NM_020975.6(RET):c.1531G>A (p.Glu511Lys)

Gene: RET (ret proto-oncogene; plus strand). Cytogenetic location: 10q11.21.
Variant type: single nucleotide variant.
Coding change: c.1531G>A on transcript NM_020975.6 (MANE Select); coding-DNA position 1531, G replaced by A.
Protein change: p.Glu511Lys; replaces glutamic acid 511 with lysine.
Molecular consequence: missense variant.
Genome position (GRCh38, 1-based): chr10:43,112,107, G>A. VCF-style: chr10-43112107-G-A. GRCh37 (hg19) VCF-style: chr10-43607555-G-A.
Other names: c.1531G>A, p.Glu511Lys (NM_000323.2, NM_001406743.1, NM_001406744.1 and 6 more transcripts); c.769G>A, p.Glu257Lys (NM_001355216.2); c.1402G>A, p.Glu468Lys (NM_001406761.1, NM_001406762.1, NM_001406764.1 and 1 more transcripts); c.805G>A, p.Glu269Lys (NM_001406775.1, NM_001406776.1, NM_001406777.1 and 1 more transcripts); c.634G>A, p.Glu212Lys (NM_001406779.1, NM_001406780.1, NM_001406781.1 and 3 more transcripts); c.505G>A, p.Glu169Lys (NM_001406783.1, NM_001406786.1); c.541G>A, p.Glu181Lys (NM_001406784.1); c.346G>A, p.Glu116Lys (NM_001406788.1, NM_001406789.1, NM_001406790.1 and 1 more transcripts); and 6 more; short protein forms E257K, E181K, E212K, E336K, E116K, E28K, E365K, E169K.
Identifiers: ClinVar variation 24883 (VCV000024883.79), dbSNP rs201553718, ClinGen allele CA007615.
Genomic context (GRCh38, chr10:43,112,107, plus strand): 5'-GACGCTGGGCCCAGGCCAGCCCCCTGTGACCCTGCTTGTCTGCCACCTGCAGATGTGGCC[G>A]AGGAGGCGGGCTGCCCCCTGTCCTGTGCAGTCAGCAAGAGACGGCTGGAGTGTGAGGAGT-3'
Protein context (NP_066124.1, residues 501-521): LVTVEGSYVA[Glu511Lys]EAGCPLSCAV